The following is an entry in ClinVar:

NM_033056.4(PCDH15):c.5138C>G (p.Ser1713Cys)

Gene: PCDH15 (protocadherin related 15; minus strand). Cytogenetic location: 10q21.1.
Variant type: single nucleotide variant.
Coding change: c.5138C>G on transcript NM_033056.4 (MANE Plus Clinical); coding-DNA position 5138, C replaced by G.
Protein change: p.Ser1713Cys; replaces serine 1713 with cysteine.
Molecular consequence: missense variant. On other transcripts: intron variant (8).
Genome position (GRCh38, 1-based): chr10:53,822,588, G>C on the plus strand (C>G on the coding strand, the complement: PCDH15 is on the minus strand). VCF-style: chr10-53822588-G-C. GRCh37 (hg19) VCF-style: chr10-55582348-G-C.
Other names: c.5159C>G, p.Ser1720Cys (NM_001142763.2); c.5144C>G, p.Ser1715Cys (NM_001142764.2); c.4931C>G, p.Ser1644Cys (NM_001142765.2); c.5129C>G, p.Ser1710Cys (NM_001142766.2); c.5018C>G, p.Ser1673Cys (NM_001142767.2); c.5078C>G, p.Ser1693Cys (NM_001142768.2); c.5069C>G, p.Ser1690Cys (NM_001142773.2); c.5072C>G, p.Ser1691Cys (NM_001354404.2); and 7 more; short protein forms S1713C, S1720C, S1673C, S1693C, S1644C, S1690C, S1691C, S1710C.
Identifiers: ClinVar variation 1968825 (VCV001968825.2), dbSNP rs768002239, ClinGen allele CA5505118.

ClinVar aggregate classification (germline): Uncertain significance (1 of 4 stars; one submission).

Allele frequency attached by ClinVar (database versions not stated): gnomAD exomes below 0.00001; ExAC 0.00001.
gnomAD v4.1: 3 of 1,613,938 alleles (0.00019%); highest among the groups gnomAD compares: Non-Finnish European, 0.00017%; no homozygotes.

Submission:

Labcorp Genetics (formerly Invitae), Labcorp
Classification: Uncertain significance. Last evaluated: 2022-07-04. Review status: criteria provided, single submitter. Criteria: Invitae Variant Classification Sherloc (09022015). Collection method: clinical testing. Allele origin: germline.
Comment: This sequence change replaces serine, which is neutral and polar, with cysteine, which is neutral and slightly polar, at codon 1713 of the PCDH15 protein (p.Ser1713Cys). This variant is present in population databases (rs768002239, gnomAD 0.002%). This variant has not been reported in the literature in individuals affected with PCDH15-related conditions. Algorithms developed to predict the effect of missense changes on protein structure and function output the following: SIFT: "Tolerated"; PolyPhen-2: "Benign"; Align-GVGD: "Class C0". The cysteine amino acid residue is found in multiple mammalian species, which suggests that this missense change does not adversely affect protein function. In summary, the available evidence is currently insufficient to determine the role of this variant in disease. Therefore, it has been classified as a Variant of Uncertain Significance.